The following is an entry in ClinVar:

NM_001077365.2(POMT1):c.1540G>A (p.Val514Ile)

Gene: POMT1 (protein O-mannosyltransferase 1; plus strand). Cytogenetic location: 9q34.13.
Variant type: single nucleotide variant.
Coding change: c.1540G>A on transcript NM_001077365.2 (MANE Select); coding-DNA position 1540, G replaced by A.
Protein change: p.Val514Ile; replaces valine 514 with isoleucine.
Molecular consequence: missense variant. On other transcripts: non-coding transcript variant (10), intron variant (1).
Genome position (GRCh38, 1-based): chr9:131,519,442, G>A. VCF-style: chr9-131519442-G-A. GRCh37 (hg19) VCF-style: chr9-134394829-G-A.
Other names: c.1378G>A, p.Val460Ile (NM_001077366.2, NM_001353194.2); c.1540G>A, p.Val514Ile (NM_001136113.2); c.1189G>A, p.Val397Ile (NM_001136114.2, NM_001353195.2, NM_001374691.1 and 2 more transcripts); c.1606G>A, p.Val536Ile (NM_001353193.2, NM_007171.4); c.1450G>A, p.Val484Ile (NM_001353196.2); c.1444G>A, p.Val482Ile (NM_001353197.2, NM_001353198.2); c.1255G>A, p.Val419Ile (NM_001353199.2); c.1084G>A, p.Val362Ile (NM_001353200.2); and 3 more; short protein forms V536I, V362I, V397I, V460I, V482I, V514I, V484I, V419I.
Identifiers: ClinVar variation 568485 (VCV000568485.6), dbSNP rs984288781, ClinGen allele CA200795473.
Genomic context (GRCh38, chr9:131,519,442, plus strand): 5'-CTGCCAGGCCAGGAGCAGAGGGAGCGGGAACGGGAGCTGCACTCACCTGCGCAGGTGGAC[G>A]TCAGCAGGAACCTCAGCTTCATGGCGAGATTCTCGGAGCTGCAGGTGAGGAGCGGCCAGG-3'
Protein context (NP_001070833.1, residues 504-524): RELHSPAQVD[Val514Ile]SRNLSFMARF

ClinVar aggregate classification (germline): Uncertain significance (1 of 4 stars; one submission).

Conditions:
Autosomal recessive limb-girdle muscular dystrophy type 2K. Also called: MUSCULAR DYSTROPHY-DYSTROGLYCANOPATHY (LIMB-GIRDLE), TYPE C, 1; MUSCULAR DYSTROPHY, LIMB-GIRDLE, TYPE 2K. Identifiers: Orphanet 86812, MedGen C1836373, MONDO:0012248, OMIM 609308.
Walker-Warburg congenital muscular dystrophy. Also called: Muscular dystrophy-dystroglycanopathy, type A; Walker-Warburg syndrome. Identifiers: Orphanet 899, MedGen C0265221, MONDO:0000171.
Muscular dystrophy-dystroglycanopathy (congenital with impaired intellectual development), type B, 1. Also called: Muscular dystrophy-dystroglycanopathy (congenital with intellectual disability), type B1; MUSCULAR DYSTROPHY, CONGENITAL, POMT1-RELATED. Identifiers: MedGen C5436962, MONDO:0013159, OMIM 613155.

Allele frequency attached by ClinVar (database versions not stated): gnomAD below 0.00001 and 0.00001; TOPMed below 0.00001.
gnomAD v4.1: 4 of 1,551,478 alleles (0.00026%); highest among the groups gnomAD compares: East Asian, 0.0024%; no homozygotes.

Submission:

Labcorp Genetics (formerly Invitae), Labcorp
Classification: Uncertain significance for Muscular dystrophy-dystroglycanopathy (congenital with impaired intellectual development), type B, 1; Walker-Warburg congenital muscular dystrophy; Autosomal recessive limb-girdle muscular dystrophy type 2K. Last evaluated: 2022-03-23. Review status: criteria provided, single submitter. Criteria: Invitae Variant Classification Sherloc (09022015). Collection method: clinical testing. Allele origin: germline.
Comment: This sequence change replaces valine, which is neutral and non-polar, with isoleucine, which is neutral and non-polar, at codon 536 of the POMT1 protein (p.Val536Ile). This variant is not present in population databases (gnomAD no frequency). This variant has not been reported in the literature in individuals affected with POMT1-related conditions. ClinVar contains an entry for this variant (Variation ID: 568485). Algorithms developed to predict the effect of missense changes on protein structure and function output the following: SIFT: "Tolerated"; PolyPhen-2: "Benign"; Align-GVGD: "Class C0". The isoleucine amino acid residue is found in multiple mammalian species, which suggests that this missense change does not adversely affect protein function. In summary, the available evidence is currently insufficient to determine the role of this variant in disease. Therefore, it has been classified as a Variant of Uncertain Significance.